The following is an entry in ClinVar:

ClinVar aggregate classification (germline): Conflicting classifications of pathogenicity. Review status: criteria provided, conflicting classifications (1 of 4 stars). 7 submissions from 7 submitters: Uncertain significance (5); Likely benign (2). Last evaluated 2026-09-11.

Conditions:
SETX-related disorder. Also called: SETX-related disorders; SETX-related condition. Identifiers: MedGen CN239403.
Inborn genetic diseases. Identifiers: MedGen C0950123, MeSH D030342.
Amyotrophic lateral sclerosis type 4 (ALS4). Also called: AMYOTROPHIC LATERAL SCLEROSIS 4, JUVENILE; NEURONOPATHY, DISTAL HEREDITARY MOTOR, WITH PYRAMIDAL FEATURES. Identifiers: Orphanet 357043, MedGen C1865409, MONDO:0011223, OMIM 602433.
Spinocerebellar ataxia, autosomal recessive, with axonal neuropathy 2 (SCAN2). Also called: Ataxia with Oculomotor Apraxia Type 2; ATAXIA-OCULOMOTOR APRAXIA 2; Ataxia-ocular apraxia-2; Ataxia with Oculomotor Apraxia. Identifiers: Orphanet 64753, MedGen C1853761, MONDO:0018996, OMIM 606002.

Allele frequency attached by ClinVar (database versions not stated): gnomAD exomes 0.00005 and 0.00010; TOPMed 0.00006; ESP Exome Variant Server 0.00008; gnomAD 0.00008 and 0.00009; ExAC 0.00011.
gnomAD v4.1: 89 of 1,613,880 alleles (0.0055%); highest among the groups gnomAD compares: Middle Eastern, 0.016%; no homozygotes.

Submissions (7):

PreventionGenetics, part of Exact Sciences
Classification: Uncertain significance for SETX-related condition. Last evaluated: 2026-09-11. Review status: criteria provided, single submitter. Criteria: ACMG Guidelines, 2015. Collection method: clinical testing. Allele origin: germline.
Comment: The SETX c.2750T>C variant is predicted to result in the amino acid substitution p.Met917Thr. This variant has been reported in two individuals with amyotrophic lateral sclerosis; however, additional evidence to support pathogenicity was not provided (Cady et al. 2015. PubMed ID: 25382069; Pensato et al. 2020. PubMed ID: 32028661). This variant is reported in 0.014% of alleles in individuals of Latino descent in gnomAD. At this time, the clinical significance of this variant is uncertain due to the absence of conclusive functional and genetic evidence.

Labcorp Genetics (formerly Invitae), Labcorp
Classification: Likely benign for Amyotrophic lateral sclerosis type 4; Spinocerebellar ataxia, autosomal recessive, with axonal neuropathy 2. Last evaluated: 2024-03-26. Review status: criteria provided, single submitter. Criteria: Invitae Variant Classification Sherloc (09022015). Collection method: clinical testing. Allele origin: germline.

CeGaT Center for Human Genetics Tuebingen
Classification: Likely benign. Last evaluated: 2024-01-01. Review status: criteria provided, single submitter. Criteria: CeGaT Center For Human Genetics Tuebingen Variant Classification Criteria Version 2. Collection method: clinical testing. Allele origin: germline. Affected: yes. Observed: 2 variant alleles.
Comment: SETX: BP4

GeneDx
Classification: Uncertain significance. Last evaluated: 2023-09-14. Review status: criteria provided, single submitter. Criteria: GeneDx Variant Classification Process June 2021. Collection method: clinical testing. Allele origin: germline. Affected: yes.
Comment: In silico analysis supports that this missense variant does not alter protein structure/function; This variant is associated with the following publications: (PMID: 25382069, 32028661, 32397312)

Women's Health and Genetics/Laboratory Corporation of America, LabCorp
Classification: Uncertain significance. Last evaluated: 2022-05-01. Review status: criteria provided, single submitter. Criteria: LabCorp Variant Classification Summary - May 2015. Collection method: clinical testing. Allele origin: germline.
Comment: Variant summary: SETX c.2750T>C (p.Met917Thr) results in a non-conservative amino acid change in the encoded protein sequence. Four of five in-silico tools predict a benign effect of the variant on protein function. The variant allele was found at a frequency of 9.6e-05 in 250972 control chromosomes. This frequency does not allow conclusions about variant significance. c.2750T>C has been reported in the literature in settings of multigene panel testing among cohorts with sporadic or a not-specified form of Amyotrophic Lateral Sclerosis (example, Cady_2015, Scarlino_2020, Pensato_2020) and in unaffected non-neurological controls (example, Scarlino_2020). These report(s) do not provide unequivocal conclusions about association of the variant with Amyotrophic Lateral Sclerosis Type 4. To our knowledge, no experimental evidence demonstrating an impact on protein function has been reported. Three clinical diagnostic laboratories have submitted clinical-significance assessments for this variant to ClinVar after 2014 without evidence for independent evaluation. All laboratories classified the variant as uncertain significance. Based on the evidence outlined above, the variant was classified as uncertain significance.

Ambry Genetics
Classification: Uncertain significance for Inborn genetic diseases. Last evaluated: 2020-08-11. Review status: criteria provided, single submitter. Criteria: Ambry Variant Classification Scheme 2023. Collection method: clinical testing. Allele origin: germline.
Comment: The p.M917T variant (also known as c.2750T>C), located in coding exon 8 of the SETX gene, results from a T to C substitution at nucleotide position 2750. The methionine at codon 917 is replaced by threonine, an amino acid with similar properties. This amino acid position is not well conserved in available vertebrate species. In addition, this alteration is predicted to be tolerated by in silico analysis. Based on the supporting evidence, this variant is unlikely to be causative of autosomal dominant juvenile amyotrophic lateral sclerosis 4; however, its contribution to the development of autosomal recessive spinocerebellar ataxia with axonal neuropathy 2 is uncertain.

Athena Diagnostics
Classification: Uncertain significance. Last evaluated: 2017-11-03. Review status: criteria provided, single submitter. Criteria: Athena Diagnostics Criteria. Collection method: clinical testing. Allele origin: germline.

Literature cited by the submitters: PubMed 25382069 (cited by Women's Health and Genetics/Laboratory Corporation of America, LabCorp and Athena Diagnostics); PubMed 32028661 (cited by Women's Health and Genetics/Laboratory Corporation of America, LabCorp); PubMed 32397312 (cited by Women's Health and Genetics/Laboratory Corporation of America, LabCorp).

NM_015046.7(SETX):c.2750T>C (p.Met917Thr)

Gene: SETX (senataxin; minus strand). Cytogenetic location: 9q34.13.
Variant type: single nucleotide variant.
Coding change: c.2750T>C on transcript NM_015046.7 (MANE Select); coding-DNA position 2750, T replaced by C.
Protein change: p.Met917Thr; replaces methionine 917 with threonine.
Molecular consequence: missense variant.
Genome position (GRCh38, 1-based): chr9:132,328,848, A>G on the plus strand (T>C on the coding strand, the complement: SETX is on the minus strand). VCF-style: chr9-132328848-A-G. GRCh37 (hg19) VCF-style: chr9-135204235-A-G.
Other names: c.2750T>C, p.Met917Thr (NM_001351527.2, NM_001351528.2); short protein forms M917T.
Identifiers: ClinVar variation 586541 (VCV000586541.58), dbSNP rs376022544, ClinGen allele CA5297538.
Genomic context (GRCh38, chr9:132,328,848, plus strand): 5'-TTAGAATAAATCACACTGGTACTATTACTCATCTCCTCATCTCTTGATTCAGGTACAGTC[A>G]TAAGATCTTTAAAGGGAGATGATTTCTTCTCTGAAGCATTGGTCATTTCTGTAAAAGGGA-3'
Protein context (NP_055861.3, residues 907-927): EKKSSPFKDL[Met917Thr]TVPESRDEEM